The following is an entry in ClinVar:

NM_003661.4(APOL1):c.1150A>T (p.Ile384Phe)

Gene: APOL1 (apolipoprotein L1; plus strand). Cytogenetic location: 22q12.3.
Variant type: single nucleotide variant.
Coding change: c.1150A>T on transcript NM_003661.4 (MANE Select); coding-DNA position 1150, A replaced by T.
Protein change: p.Ile384Phe; replaces isoleucine 384 with phenylalanine.
Molecular consequence: missense variant.
Genome position (GRCh38, 1-based): chr22:36,265,986, A>T. VCF-style: chr22-36265986-A-T. GRCh37 (hg19) VCF-style: chr22-36662032-A-T.
Other names: c.1150A>T, p.Ile384Phe (NM_001136540.2); c.1096A>T, p.Ile366Phe (NM_001136541.2, NM_001362927.2); c.1198A>T, p.Ile400Phe (NM_145343.3); short protein forms I366F, I384F, I400F.
Identifiers: ClinVar variation 1497764 (VCV001497764.9), dbSNP rs373463596, ClinGen allele CA10208844.

ClinVar aggregate classification (germline): Uncertain significance. Review status: criteria provided, multiple submitters, no conflicts (2 of 4 stars). 2 submissions from 2 submitters: Uncertain significance (2). Last evaluated 2025-06-12.

Conditions:
Focal segmental glomerulosclerosis 4, susceptibility to (FSGS4). Identifiers: Orphanet 84271, MedGen C2675525, MONDO:0012931, OMIM 612551.

Allele frequency attached by ClinVar (database versions not stated): TOPMed 0.00012; gnomAD 0.00017 and 0.00019.
gnomAD v4.1: 76 of 1,612,730 alleles (0.0047%); highest among the groups gnomAD compares: African/African-American, 0.076%; no homozygotes.

Submissions (2):

Labcorp Genetics (formerly Invitae), Labcorp
Classification: Uncertain significance. Last evaluated: 2025-06-12. Review status: criteria provided, single submitter. Criteria: Invitae Variant Classification Sherloc (09022015). Collection method: clinical testing. Allele origin: germline.
Comment: This sequence change replaces isoleucine, which is neutral and non-polar, with phenylalanine, which is neutral and non-polar, at codon 384 of the APOL1 protein (p.Ile384Phe). This variant is present in population databases (rs373463596, gnomAD 0.06%). This variant has not been reported in the literature in individuals affected with APOL1-related conditions. ClinVar contains an entry for this variant (Variation ID: 1497764). An algorithm developed to predict the effect of missense changes on protein structure and function (PolyPhen-2) suggests that this variant is likely to be tolerated. In summary, the available evidence is currently insufficient to determine the role of this variant in disease. Therefore, it has been classified as a Variant of Uncertain Significance.

Fulgent Genetics
Classification: Uncertain significance for Focal segmental glomerulosclerosis 4, susceptibility to. Last evaluated: 2021-09-20. Review status: criteria provided, single submitter. Criteria: ACMG Guidelines, 2015. Collection method: clinical testing. Allele origin: unknown.